The following is an entry in ClinVar:

ClinVar aggregate classification (germline): Pathogenic (1 of 4 stars; one submission).

Conditions:
Macrocephaly, dysmorphic facies, and psychomotor retardation (MDFPMR). Identifiers: Orphanet 457359, MedGen C4310766, MONDO:0014863, OMIM 617011.

Submission:

Victorian Clinical Genetics Services, Murdoch Childrens Research Institute
Classification: Pathogenic for Macrocephaly, dysmorphic facies, and psychomotor retardation. Last evaluated: 2025-04-07. Review status: criteria provided, single submitter. Criteria: ACMG Guidelines, 2015. Collection method: clinical testing. Allele origin: germline. Affected: yes.
Comment: This variant is classified as Pathogenic. Evidence in support of pathogenic classification: Variant is predicted to cause nonsense-mediated decay (NMD) and loss of protein (premature termination codon is located at least 54 nucleotides upstream of the final exon-exon junction); Variant is absent from gnomAD (v2, v3 and v4); Other NMD-predicted variants comparable to the one identified in this case have very strong previous evidence for pathogenicity (ClinVar). Additional information: This variant is heterozygous; This gene is associated with autosomal recessive disease; This variant has no previous evidence of pathogenicity; No published segregation evidence has been identified for this variant; No published functional evidence has been identified for this variant; Loss of function is a known mechanism of disease in this gene and is associated with macrocephaly, dysmorphic facies, and psychomotor retardation (MIM# 617011); Inheritance information for this variant is not currently available in this individual.

NM_003922.4(HERC1):c.12728dup (p.Val4244fs)

Gene: HERC1 (HECT and RLD domain containing E3 ubiquitin protein ligase family member 1; minus strand). Cytogenetic location: 15q22.31.
Variant type: Duplication.
Coding change: c.12728dup on transcript NM_003922.4 (MANE Select); coding-DNA position 12728, one base duplicated (A; older notation c.12728dupA).
Protein change: p.Val4244fs; shifts the reading frame from valine 4244.
Molecular consequence: frameshift variant.
Genome position (GRCh38, 1-based): chr15:63,632,777, T duplicated on the plus strand (A on the coding strand, the reverse complement: HERC1 is on the minus strand); the first of 6 consecutive T bases (chr15:63,632,777-63,632,782); duplicating any one gives the same sequence. VCF-style (leftmost placement, unchanged base first): chr15-63632776-C-CT. GRCh37 (hg19) VCF-style: chr15-63924975-C-CT.
Other names: short protein forms V4244fs.
Identifiers: ClinVar variation 4531508 (VCV004531508.1).